The following is an entry in ClinVar:

NM_005045.4(RELN):c.10086A>G (p.Gln3362=)

Genes: RELN (reelin; minus strand), SLC26A5-AS1 (SLC26A5 antisense RNA 1; plus strand). Cytogenetic location: 7q22.1.
Variant type: single nucleotide variant.
Coding change: c.10086A>G on transcript NM_005045.4 (MANE Select); coding-DNA position 10086, A replaced by G.
Protein change: p.Gln3362=; no amino-acid change (glutamine 3362 retained).
Molecular consequence: synonymous variant.
Genome position (GRCh38, 1-based): chr7:103,483,748, T>C on the plus strand (A>G on the coding strand, the complement: RELN is on the minus strand). VCF-style: chr7-103483748-T-C. GRCh37 (hg19) VCF-style: chr7-103124195-T-C.
Other names: c.10086A>G, p.Gln3362= (NM_173054.3).
Identifiers: ClinVar variation 1125207 (VCV001125207.33), dbSNP rs765769069, ClinGen allele CA4420056.

ClinVar aggregate classification (germline): Likely benign. Review status: criteria provided, multiple submitters, no conflicts (2 of 4 stars). 3 submissions from 3 submitters: Likely benign (3). Last evaluated 2025-06-23.

Conditions:
Familial temporal lobe epilepsy 7. Identifiers: Orphanet 101046, MedGen C4225327, MONDO:0014639, OMIM 616436.
Norman-Roberts syndrome (LIS2). Also called: Lissencephaly 2 (Norman-Roberts type). Identifiers: Orphanet 89844, MedGen C0796089, MONDO:0009760, OMIM 257320.

Allele frequency attached by ClinVar (database versions not stated): gnomAD 0.00003 and 0.00004; TOPMed 0.00005; ExAC 0.00006; gnomAD exomes 0.00006 and 0.00009.
gnomAD v4.1: 136 of 1,614,026 alleles (0.0084%); highest among the groups gnomAD compares: Non-Finnish European, 0.011%; no homozygotes.

Submissions (3):

Labcorp Genetics (formerly Invitae), Labcorp
Classification: Likely benign for Familial temporal lobe epilepsy 7; Norman-Roberts syndrome. Last evaluated: 2025-06-23. Review status: criteria provided, single submitter. Criteria: Invitae Variant Classification Sherloc (09022015). Collection method: clinical testing. Allele origin: germline.

CeGaT Center for Human Genetics Tuebingen
Classification: Likely benign. Last evaluated: 2024-10-01. Review status: criteria provided, single submitter. Criteria: CeGaT Center For Human Genetics Tuebingen Variant Classification Criteria Version 2. Collection method: clinical testing. Allele origin: germline. Affected: yes. Observed: 2 variant alleles.
Comment: RELN: BP4, BP7

Blueprint Genetics
Classification: Likely benign. Last evaluated: 2024-09-23. Review status: criteria provided, single submitter. Criteria: ACMG Guidelines, 2015. Collection method: clinical testing. Allele origin: germline.